The following is an entry in ClinVar:

ClinVar aggregate classification (germline): Uncertain significance. Review status: criteria provided, multiple submitters, no conflicts (2 of 4 stars). 2 submissions from 2 submitters: Uncertain significance (2). Last evaluated 2025-08-19.

Allele frequency attached by ClinVar (database versions not stated): ESP Exome Variant Server 0.00015; gnomAD 0.00003; TOPMed 0.00009; ExAC 0.00009.
gnomAD v4.1: 61 of 1,614,096 alleles (0.0038%); highest among the groups gnomAD compares: Admixed American, 0.022%; no homozygotes.

Submissions (2):

Ambry Genetics
Classification: Uncertain significance. Last evaluated: 2025-08-19. Review status: criteria provided, single submitter. Criteria: Ambry Variant Classification Scheme 2023. Collection method: clinical testing. Allele origin: germline.

Labcorp Genetics (formerly Invitae), Labcorp
Classification: Uncertain significance. Last evaluated: 2025-06-25. Review status: criteria provided, single submitter. Criteria: Invitae Variant Classification Sherloc (09022015). Collection method: clinical testing. Allele origin: germline.
Comment: This sequence change replaces alanine, which is neutral and non-polar, with valine, which is neutral and non-polar, at codon 63 of the NUP62 protein (p.Ala63Val). This variant is present in population databases (rs140541610, gnomAD 0.04%). This variant has not been reported in the literature in individuals affected with NUP62-related conditions. ClinVar contains an entry for this variant (Variation ID: 2355143). An algorithm developed to predict the effect of missense changes on protein structure and function (PolyPhen-2) suggests that this variant is likely to be tolerated. In summary, the available evidence is currently insufficient to determine the role of this variant in disease. Therefore, it has been classified as a Variant of Uncertain Significance.

NM_016553.5(NUP62):c.188C>T (p.Ala63Val)

Genes: IL4I1 (interleukin 4 induced 1; minus strand), NUP62 (nucleoporin 62; minus strand). Cytogenetic location: 19q13.33.
Variant type: single nucleotide variant.
Coding change: c.188C>T on transcript NM_016553.5 (MANE Select); coding-DNA position 188, C replaced by T.
Protein change: p.Ala63Val; replaces alanine 63 with valine.
Molecular consequence: missense variant. On other transcripts: intron variant (3).
Genome position (GRCh38, 1-based): chr19:49,909,620, G>A on the plus strand (C>T on the coding strand, the complement: NUP62 is on the minus strand). VCF-style: chr19-49909620-G-A. GRCh37 (hg19) VCF-style: chr19-50412877-G-A.
Other names: c.188C>T, p.Ala63Val (NM_001193357.2, NM_012346.5, NM_153718.4 and 1 more transcripts); c.-227-5299C>T (NM_001258017.2, NM_172374.3); c.-285-5299C>T (NM_001258018.2); short protein forms A63V.
Identifiers: ClinVar variation 2355143 (VCV002355143.6), dbSNP rs140541610, ClinGen allele CA9589193.
Genomic context (GRCh38, chr19:49,909,620, plus strand): 5'-GAAGCAAGAGTCGCTGTTCCAAAAGTGAAGCCTGTCGTCTGTGTGGCCGGAGTCTGGGTG[G>A]CAAGTGAGAACAGGCCGGTGGAAGGGGTACTTGTGGCTGGTTGGAAGGGAGCCCCAAAAT-3'
Protein context (NP_057637.2, residues 53-73): STPSTGLFSL[Ala63Val]TQTPATQTTG